The following is an entry in ClinVar:

ClinVar aggregate classification (germline): Likely benign (1 of 4 stars; one submission).

Allele frequency attached by ClinVar (database versions not stated): ExAC 0.00095; gnomAD 0.00124.

Submission:

CeGaT Center for Human Genetics Tuebingen
Classification: Likely benign. Last evaluated: 2026-09-01. Review status: criteria provided, single submitter. Criteria: CeGaT Center For Human Genetics Tuebingen Variant Classification Criteria Version 2. Collection method: clinical testing. Allele origin: germline. Affected: yes. Observed: 6 variant alleles.
Comment: FMN2: BP4, BP7

NM_020066.5(FMN2):c.2976T>A (p.Leu992=)

Gene: FMN2 (formin 2; plus strand). Cytogenetic location: 1q43.
Variant type: single nucleotide variant.
Coding change: c.2976T>A on transcript NM_020066.5 (MANE Select); coding-DNA position 2976, T replaced by A.
Protein change: p.Leu992=; no amino-acid change (leucine 992 retained).
Molecular consequence: synonymous variant. On other transcripts: intron variant (1).
Genome position (GRCh38, 1-based): chr1:240,207,788, T>A. VCF-style: chr1-240207788-T-A. GRCh37 (hg19) VCF-style: chr1-240371088-T-A.
Other names: c.2988T>A, p.Leu996= (NM_001305424.2); c.1986+19526T>A (NM_001348094.2).
Identifiers: ClinVar variation 2640150 (VCV002640150.24), dbSNP rs766215163, ClinGen allele CA1476947.